The following is an entry in ClinVar:

NM_001375524.1(TRRAP):c.8618A>G (p.Lys2873Arg)

Gene: TRRAP (transformation/transcription domain associated protein; plus strand). Cytogenetic location: 7q22.1.
Variant type: single nucleotide variant.
Coding change: c.8618A>G on transcript NM_001375524.1 (MANE Select); coding-DNA position 8618, A replaced by G.
Protein change: p.Lys2873Arg; replaces lysine 2873 with arginine.
Molecular consequence: missense variant.
Genome position (GRCh38, 1-based): chr7:98,978,888, A>G. VCF-style: chr7-98978888-A-G. GRCh37 (hg19) VCF-style: chr7-98576511-A-G.
Other names: c.8597A>G, p.Lys2866Arg (NM_001244580.2); c.8543A>G, p.Lys2848Arg (NM_003496.4); short protein forms K2848R, K2866R, K2873R.
Identifiers: ClinVar variation 3371362 (VCV003371362.1).

ClinVar aggregate classification (germline): Uncertain significance (1 of 4 stars; one submission).

gnomAD v4.1: 2 of 1,614,128 alleles (0.00012%); highest among the groups gnomAD compares: East Asian, 0.0022%; no homozygotes.

Submission:

GeneDx
Classification: Uncertain significance. Last evaluated: 2024-03-21. Review status: criteria provided, single submitter. Criteria: GeneDx Variant Classification Process June 2021. Collection method: clinical testing. Allele origin: germline. Affected: yes.
Comment: Not observed at significant frequency in large population cohorts (gnomAD); In silico analysis supports that this missense variant does not alter protein structure/function; Has not been previously published as pathogenic or benign to our knowledge